The following is an entry in ClinVar:

NM_001211.6(BUB1B):c.1020C>G (p.Phe340Leu)

Gene: BUB1B (BUB1 mitotic checkpoint serine/threonine kinase B; plus strand). Cytogenetic location: 15q15.1.
Variant type: single nucleotide variant.
Coding change: c.1020C>G on transcript NM_001211.6 (MANE Select); coding-DNA position 1020, C replaced by G.
Protein change: p.Phe340Leu; replaces phenylalanine 340 with leucine.
Molecular consequence: missense variant.
Genome position (GRCh38, 1-based): chr15:40,185,604, C>G. VCF-style: chr15-40185604-C-G. GRCh37 (hg19) VCF-style: chr15-40477805-C-G.
Other names: short protein forms F340L.
Identifiers: ClinVar variation 4216939 (VCV004216939.1).

ClinVar aggregate classification (germline): Uncertain significance (1 of 4 stars; one submission).

Conditions:
Inborn genetic diseases. Identifiers: MedGen C0950123, MeSH D030342.

Submission:

Ambry Genetics
Classification: Uncertain significance for Inborn genetic diseases. Last evaluated: 2025-07-05. Review status: criteria provided, single submitter. Criteria: Ambry Variant Classification Scheme 2023. Collection method: clinical testing. Allele origin: germline.
Comment: The p.F340L variant (also known as c.1020C>G), located in coding exon 8 of the BUB1B gene, results from a C to G substitution at nucleotide position 1020. The phenylalanine at codon 340 is replaced by leucine, an amino acid with highly similar properties. This amino acid position is conserved. In addition, this alteration is predicted to be tolerated by in silico analysis. Based on the available evidence, the clinical significance of this variant remains unclear.